The following is an entry in ClinVar:

NM_002184.4(IL6ST):c.1570A>G (p.Thr524Ala)

Gene: IL6ST (interleukin 6 cytokine family signal transducer; minus strand). Cytogenetic location: 5q11.2.
Variant type: single nucleotide variant.
Coding change: c.1570A>G on transcript NM_002184.4 (MANE Select); coding-DNA position 1570, A replaced by G.
Protein change: p.Thr524Ala; replaces threonine 524 with alanine.
Molecular consequence: missense variant. On other transcripts: 3 prime UTR variant (1), non-coding transcript variant (2).
Genome position (GRCh38, 1-based): chr5:55,952,058, T>C on the plus strand (A>G on the coding strand, the complement: IL6ST is on the minus strand). VCF-style: chr5-55952058-T-C. GRCh37 (hg19) VCF-style: chr5-55247886-T-C.
Other names: c.1387A>G, p.Thr463Ala (NM_001190981.2); c.1468A>G, p.Thr490Ala (NM_001364275.2); c.1360A>G, p.Thr454Ala (NM_001364276.2); c.703A>G, p.Thr235Ala (NM_001364277.2); c.667A>G, p.Thr223Ala (NM_001364278.2); c.574A>G, p.Thr192Ala (NM_001364279.2); c.*497A>G (NM_175767.3); short protein forms T235A, T192A, T223A, T454A, T524A, T463A, T490A.
Identifiers: ClinVar variation 2845840 (VCV002845840.3), dbSNP rs1321869290, ClinGen allele CA359762339.

ClinVar aggregate classification (germline): Uncertain significance (1 of 4 stars; one submission).

Allele frequency attached by ClinVar (database versions not stated): gnomAD exomes below 0.00001.
gnomAD v4.1: 1 of 1,613,466 alleles (0.000062%); highest among the groups gnomAD compares: Admixed American, 0.0017%; no homozygotes.

Submission:

Labcorp Genetics (formerly Invitae), Labcorp
Classification: Uncertain significance. Last evaluated: 2025-07-03. Review status: criteria provided, single submitter. Criteria: Invitae Variant Classification Sherloc (09022015). Collection method: clinical testing. Allele origin: germline.
Comment: This sequence change replaces threonine, which is neutral and polar, with alanine, which is neutral and non-polar, at codon 524 of the IL6ST protein (p.Thr524Ala). This variant is present in population databases (no rsID available, gnomAD 0.003%). This variant has not been reported in the literature in individuals affected with IL6ST-related conditions. ClinVar contains an entry for this variant (Variation ID: 2845840). An algorithm developed to predict the effect of missense changes on protein structure and function (PolyPhen-2) suggests that this variant is likely to be tolerated. In summary, the available evidence is currently insufficient to determine the role of this variant in disease. Therefore, it has been classified as a Variant of Uncertain Significance.